The following is an entry in ClinVar:

NM_178138.6(LHX3):c.1138G>A (p.Asp380Asn)

Gene: LHX3 (LIM homeobox 3; minus strand). Cytogenetic location: 9q34.3.
Variant type: single nucleotide variant.
Coding change: c.1138G>A on transcript NM_178138.6 (MANE Select); coding-DNA position 1138, G replaced by A.
Protein change: p.Asp380Asn; replaces aspartic acid 380 with asparagine.
Molecular consequence: missense variant.
Genome position (GRCh38, 1-based): chr9:136,197,381, C>T on the plus strand (G>A on the coding strand, the complement: LHX3 is on the minus strand). VCF-style: chr9-136197381-C-T. GRCh37 (hg19) VCF-style: chr9-139089227-C-T.
Other names: c.1105G>A, p.Asp369Asn (NM_001363746.1); c.1153G>A, p.Asp385Asn (NM_014564.5); short protein forms D369N, D385N, D380N.
Identifiers: ClinVar variation 2180892 (VCV002180892.2), dbSNP rs763085617, ClinGen allele CA5330250.
Genomic context (GRCh38, chr9:136,197,381, plus strand): 5'-TGGGTCAGAACTGAGCGTGGTCTACCTCATCCAGCCAGGAGGCGGGGCTGGCAGGGAAGT[C>T]GGGGTAACCCCCGCTGCTCCCCGTGGATAGGTCAGAACTGGGTCCGTTCCCTGCCAGCAC-3'
Protein context (NP_835258.1, residues 370-390): LSTGSSGGYP[Asp380Asn]FPASPASWLD

ClinVar aggregate classification (germline): Uncertain significance. Review status: criteria provided, multiple submitters, no conflicts (2 of 4 stars). 2 submissions from 2 submitters: Uncertain significance (2). Last evaluated 2025-06-09.

Allele frequency attached by ClinVar (database versions not stated): gnomAD exomes below 0.00001; ExAC 0.00001.
gnomAD v4.1: 6 of 1,611,744 alleles (0.00037%); highest among the groups gnomAD compares: Admixed American, 0.0017%; no homozygotes.

Submissions (2):

Women's Health and Genetics/Laboratory Corporation of America, LabCorp
Classification: Uncertain significance. Last evaluated: 2025-06-09. Review status: criteria provided, single submitter. Criteria: LabCorp Variant Classification Summary - May 2015. Collection method: clinical testing. Allele origin: germline.
Comment: Variant summary: LHX3 c.1153G>A (p.Asp385Asn) results in a conservative amino acid change in the encoded protein sequence. Algorithms developed to predict the effect of missense changes on protein structure and function are either unavailable or do not agree on the potential impact of this missense change. The variant allele was found at a frequency of 1.2e-05 in 240974 control chromosomes. The available data on variant occurrences in the general population are insufficient to allow any conclusion about variant significance. To our knowledge, no occurrence of c.1153G>A in individuals affected with Combined Pituitary Hormone Deficiency and no experimental evidence demonstrating its impact on protein function have been reported. ClinVar contains an entry for this variant (Variation ID: 2180892). Based on the evidence outlined above, the variant was classified as uncertain significance.

Labcorp Genetics (formerly Invitae), Labcorp
Classification: Uncertain significance. Last evaluated: 2022-08-16. Review status: criteria provided, single submitter. Criteria: Invitae Variant Classification Sherloc (09022015). Collection method: clinical testing. Allele origin: germline.
Comment: This sequence change replaces aspartic acid, which is acidic and polar, with asparagine, which is neutral and polar, at codon 385 of the LHX3 protein (p.Asp385Asn). This variant is present in population databases (rs763085617, gnomAD 0.003%). This variant has not been reported in the literature in individuals affected with LHX3-related conditions. Algorithms developed to predict the effect of missense changes on protein structure and function are either unavailable or do not agree on the potential impact of this missense change (SIFT: "Not Available"; PolyPhen-2: "Probably Damaging"; Align-GVGD: "Not Available"). In summary, the available evidence is currently insufficient to determine the role of this variant in disease. Therefore, it has been classified as a Variant of Uncertain Significance.